The following is an entry in ClinVar:

ClinVar aggregate classification (germline): Uncertain significance. Review status: criteria provided, multiple submitters, no conflicts (2 of 4 stars). 2 submissions from 2 submitters: Uncertain significance (2). Last evaluated 2026-04-08.

Conditions:
SEMA3D-related disorder. Also called: SEMA3D-related condition.

Allele frequency attached by ClinVar (database versions not stated): ExAC 0.00007; ESP Exome Variant Server 0.00008; TOPMed 0.00012; gnomAD 0.00013; gnomAD exomes 0.00015.
gnomAD v4.1: 237 of 1,611,064 alleles (0.015%); highest among the groups gnomAD compares: Non-Finnish European, 0.02%; no homozygotes.

Submissions (2):

PreventionGenetics, part of Exact Sciences
Classification: Uncertain significance for SEMA3D-related condition. Last evaluated: 2026-04-08. Review status: criteria provided, single submitter. Criteria: ACMG Guidelines, 2015. Collection method: clinical testing. Allele origin: germline.
Comment: The SEMA3D c.1868A>C variant is predicted to result in the amino acid substitution p.Lys623Thr. To our knowledge, this variant has not been reported in the literature. This variant is reported in 0.017% of alleles in individuals of European (non-Finnish) descent in gnomAD. At this time, the clinical significance of this variant is uncertain due to the absence of conclusive functional and genetic evidence.

Ambry Genetics
Classification: Uncertain significance. Last evaluated: 2025-09-22. Review status: criteria provided, single submitter. Criteria: Ambry Variant Classification Scheme 2023. Collection method: clinical testing. Allele origin: germline.

NM_001384900.1(SEMA3D):c.1868A>C (p.Lys623Thr)

Gene: SEMA3D (semaphorin 3D; minus strand). Cytogenetic location: 7q21.11.
Variant type: single nucleotide variant.
Coding change: c.1868A>C on transcript NM_001384900.1 (MANE Select); coding-DNA position 1868, A replaced by C.
Protein change: p.Lys623Thr; replaces lysine 623 with threonine.
Molecular consequence: missense variant.
Genome position (GRCh38, 1-based): chr7:85,006,842, T>G on the plus strand (A>C on the coding strand, the complement: SEMA3D is on the minus strand). VCF-style: chr7-85006842-T-G. GRCh37 (hg19) VCF-style: chr7-84636158-T-G.
Other names: c.1868A>C, p.Lys623Thr (NM_001384901.1, NM_001384902.1, NM_001384903.1 and 1 more transcripts); short protein forms K623T.
Identifiers: ClinVar variation 2512535 (VCV002512535.6), dbSNP rs375656494, ClinGen allele CA4323266.
Genomic context (GRCh38, chr7:85,006,842, plus strand): 5'-CTTTGATGACAACAGCTTACCTCCTCTCGATGCTCATCCCCTGACCTCTGGATATACCAT[T>G]TAATAGTTGCTTGTTGGGATTTAGGTATACATTCCAGAAAGGTTGAGTTAAATTCAATGC-3'
Protein context (NP_001371829.1, residues 613-633): CIPKSQQATI[Lys623Thr]WYIQRSGDEH